The following is an entry in ClinVar:

NM_032242.4(PLXNA1):c.1327C>T (p.Arg443Trp)

Gene: PLXNA1 (plexin A1; plus strand). Cytogenetic location: 3q21.3.
Variant type: single nucleotide variant.
Coding change: c.1327C>T on transcript NM_032242.4 (MANE Select); coding-DNA position 1327, C replaced by T.
Protein change: p.Arg443Trp; replaces arginine 443 with tryptophan.
Molecular consequence: missense variant.
Genome position (GRCh38, 1-based): chr3:126,991,516, C>T. VCF-style: chr3-126991516-C-T. GRCh37 (hg19) VCF-style: chr3-126710359-C-T.
Other names: short protein forms R443W.
Identifiers: ClinVar variation 4988844 (VCV004988844.1).

ClinVar aggregate classification (germline): Uncertain significance (1 of 4 stars; one submission).

Conditions:
PLXNA1-related disorder. Also called: PLXNA1-related condition.

gnomAD v4.1: 19 of 1,610,398 alleles (0.0012%); highest among the groups gnomAD compares: African/African-American, 0.0027%; no homozygotes.

Submission:

PreventionGenetics, part of Exact Sciences
Classification: Uncertain significance for PLXNA1-related condition. Last evaluated: 2025-12-08. Review status: criteria provided, single submitter. Criteria: ACMG Guidelines, 2015. Collection method: clinical testing. Allele origin: germline.
Comment: The PLXNA1 c.1327C>T variant is predicted to result in the amino acid substitution p.Arg443Trp. To our knowledge, this variant has not been reported in the literature. This variant is reported in 0.0062% of alleles in individuals of African descent in gnomAD. At this time, the clinical significance of this variant is uncertain due to the absence of conclusive functional and genetic evidence.